The following is an entry in ClinVar:

NM_003247.5(THBS2):c.2481T>C (p.Asp827=)

Genes: THBS2 (thrombospondin 2; minus strand), THBS2-AS1 (THBS2 antisense RNA 1; plus strand). Cytogenetic location: 6q27.
Variant type: single nucleotide variant.
Coding change: c.2481T>C on transcript NM_003247.5 (MANE Select); coding-DNA position 2481, T replaced by C.
Protein change: p.Asp827=; no amino-acid change (aspartic acid 827 retained).
Molecular consequence: synonymous variant. On other transcripts: non-coding transcript variant (2).
Genome position (GRCh38, 1-based): chr6:169,226,237, A>G on the plus strand (T>C on the coding strand, the complement: THBS2 is on the minus strand). VCF-style: chr6-169226237-A-G. GRCh37 (hg19) VCF-style: chr6-169626332-A-G.
Other names: c.2307T>C, p.Asp769= (NM_001381939.1); c.2250T>C, p.Asp750= (NM_001381942.1).
Identifiers: ClinVar variation 4873254 (VCV004873254.2).
Genomic context (GRCh38, chr6:169,226,237, plus strand): 5'-CACCTGGTCAGGGTTGTGCACCAGGGGGCAGTTGTCACAGTGATCCCCCACACCGTCACC[A>G]TCCGTGTCCCTCTGGTCAGTGTTGTAGACGTAGGGACAATTGTCTCGTTCATTGAAGACA-3'
Protein context (NP_003238.2, residues 817-837): YVYNTDQRDT[Asp827=]GDGVGDHCDN

ClinVar aggregate classification (germline): Likely benign (1 of 4 stars; one submission).

Submission:

CeGaT Center for Human Genetics Tuebingen
Classification: Likely benign. Last evaluated: 2026-06-01. Review status: criteria provided, single submitter. Criteria: CeGaT Center For Human Genetics Tuebingen Variant Classification Criteria Version 2. Collection method: clinical testing. Allele origin: germline. Affected: yes. Observed: 1 variant allele.
Comment: THBS2: BP4, BP7